The following is an entry in ClinVar:

ClinVar aggregate classification (germline): Uncertain significance (1 of 4 stars; one submission).

Conditions:
Alstrom syndrome (ALMS). Identifiers: Orphanet 64, MedGen C0268425, MONDO:0008763, OMIM 203800.

Allele frequency attached by ClinVar (database versions not stated): gnomAD exomes below 0.00001.
gnomAD v4.1: 2 of 1,613,848 alleles (0.00012%); highest among the groups gnomAD compares: South Asian, 0.0011%; no homozygotes.

Submission:

Labcorp Genetics (formerly Invitae), Labcorp
Classification: Uncertain significance for Alstrom syndrome. Last evaluated: 2023-11-27. Review status: criteria provided, single submitter. Criteria: Invitae Variant Classification Sherloc (09022015). Collection method: clinical testing. Allele origin: germline.
Comment: This sequence change replaces histidine, which is basic and polar, with arginine, which is basic and polar, at codon 2985 of the ALMS1 protein (p.His2985Arg). This variant is present in population databases (no rsID available, gnomAD 0.003%). This variant has not been reported in the literature in individuals affected with ALMS1-related conditions. ClinVar contains an entry for this variant (Variation ID: 2139394). Experimental studies and prediction algorithms are not available or were not evaluated, and the functional significance of this variant is currently unknown. In summary, the available evidence is currently insufficient to determine the role of this variant in disease. Therefore, it has been classified as a Variant of Uncertain Significance.

NM_001378454.1(ALMS1):c.8951A>G (p.His2984Arg)

Gene: ALMS1 (ALMS1 centrosome and basal body associated protein; plus strand). Cytogenetic location: 2p13.1.
Variant type: single nucleotide variant.
Coding change: c.8951A>G on transcript NM_001378454.1 (MANE Select); coding-DNA position 8951, A replaced by G.
Protein change: p.His2984Arg; replaces histidine 2984 with arginine.
Molecular consequence: missense variant.
Genome position (GRCh38, 1-based): chr2:73,490,910, A>G. VCF-style: chr2-73490910-A-G. GRCh37 (hg19) VCF-style: chr2-73718037-A-G.
Other names: c.8954A>G, p.His2985Arg (NM_015120.4); short protein forms H2984R, H2985R.
Identifiers: ClinVar variation 2139394 (VCV002139394.3), dbSNP rs926331435, ClinGen allele CA50379735.
Genomic context (GRCh38, chr2:73,490,910, plus strand): 5'-TTTCTCTTGAACAATGCCAAAGCAAAGCGCCAGGTGTAGATGACCAAATGAATAAACACC[A>G]TTTTCCCCTTCCTCAAGGTCAGGATTGTGTAGTGGAAAAGAATAATCAACATAAGCCTAA-3'
Protein context (NP_001365383.1, residues 2974-2994): PGVDDQMNKH[His2984Arg]FPLPQGQDCV